The following is an entry in ClinVar:

ClinVar aggregate classification (germline): Uncertain significance (1 of 4 stars; one submission).

Submission:

Labcorp Genetics (formerly Invitae), Labcorp
Classification: Uncertain significance. Last evaluated: 2022-06-27. Review status: criteria provided, single submitter. Criteria: Invitae Variant Classification Sherloc (09022015). Collection method: clinical testing. Allele origin: germline.
Comment: In summary, the available evidence is currently insufficient to determine the role of this variant in disease. Therefore, it has been classified as a Variant of Uncertain Significance. Algorithms developed to predict the effect of missense changes on protein structure and function (SIFT, PolyPhen-2, Align-GVGD) all suggest that this variant is likely to be tolerated. This variant has not been reported in the literature in individuals affected with AP3B2-related conditions. This variant is not present in population databases (gnomAD no frequency). This sequence change replaces arginine, which is basic and polar, with leucine, which is neutral and non-polar, at codon 293 of the AP3B2 protein (p.Arg293Leu).

NM_001278512.2(AP3B2):c.878G>T (p.Arg293Leu)

Genes: AP3B2 (adaptor related protein complex 3 subunit beta 2; minus strand), CPEB1-AS1 (CPEB1 antisense RNA 1; plus strand). Cytogenetic location: 15q25.2.
Variant type: single nucleotide variant.
Coding change: c.878G>T on transcript NM_001278512.2 (MANE Select); coding-DNA position 878, G replaced by T.
Protein change: p.Arg293Leu; replaces arginine 293 with leucine.
Molecular consequence: missense variant.
Genome position (GRCh38, 1-based): chr15:82,680,649, C>A on the plus strand (G>T on the coding strand, the complement: AP3B2 is on the minus strand). VCF-style: chr15-82680649-C-A. GRCh37 (hg19) VCF-style: chr15-83349401-C-A.
Other names: c.782G>T, p.Arg261Leu (NM_001278511.2); c.878G>T, p.Arg293Leu (NM_004644.5); short protein forms R261L, R293L.
Identifiers: ClinVar variation 1428744 (VCV001428744.8), dbSNP rs2048322309, ClinGen allele CA393295118.